The following is an entry in ClinVar:

NM_004385.5(VCAN):c.9359G>C (p.Ser3120Thr)

Genes: VCAN (versican; plus strand), VCAN-AS1 (VCAN antisense RNA 1; minus strand). Cytogenetic location: 5q14.3.
Variant type: single nucleotide variant.
Coding change: c.9359G>C on transcript NM_004385.5 (MANE Select); coding-DNA position 9359, G replaced by C.
Protein change: p.Ser3120Thr; replaces serine 3120 with threonine.
Molecular consequence: missense variant.
Genome position (GRCh38, 1-based): chr5:83,545,630, G>C. VCF-style: chr5-83545630-G-C. GRCh37 (hg19) VCF-style: chr5-82841449-G-C.
Other names: c.1136G>C, p.Ser379Thr (NM_001126336.3); c.6398G>C, p.Ser2133Thr (NM_001164097.2); c.4097G>C, p.Ser1366Thr (NM_001164098.2); short protein forms S1366T, S3120T, S379T, S2133T.
Identifiers: ClinVar variation 2121467 (VCV002121467.4), dbSNP rs1228672903, ClinGen allele CA360296576.

ClinVar aggregate classification (germline): Uncertain significance (1 of 4 stars; one submission).

Submission:

Labcorp Genetics (formerly Invitae), Labcorp
Classification: Uncertain significance. Last evaluated: 2022-04-16. Review status: criteria provided, single submitter. Criteria: Invitae Variant Classification Sherloc (09022015). Collection method: clinical testing. Allele origin: germline.
Comment: This sequence change replaces serine, which is neutral and polar, with threonine, which is neutral and polar, at codon 3120 of the VCAN protein (p.Ser3120Thr). This variant is present in population databases (no rsID available, gnomAD 0.003%). This variant has not been reported in the literature in individuals affected with VCAN-related conditions. Algorithms developed to predict the effect of missense changes on protein structure and function output the following: SIFT: "Deleterious"; PolyPhen-2: "Benign"; Align-GVGD: "Class C55". The threonine amino acid residue is found in multiple mammalian species, which suggests that this missense change does not adversely affect protein function. In summary, the available evidence is currently insufficient to determine the role of this variant in disease. Therefore, it has been classified as a Variant of Uncertain Significance.